The following is an entry in ClinVar:

NM_201384.3(PLEC):c.5713G>A (p.Glu1905Lys)

Gene: PLEC (plectin; minus strand). Cytogenetic location: 8q24.3.
Variant type: single nucleotide variant.
Coding change: c.5713G>A on transcript NM_201384.3 (MANE Select); coding-DNA position 5713, G replaced by A.
Protein change: p.Glu1905Lys; replaces glutamic acid 1905 with lysine.
Molecular consequence: missense variant.
Genome position (GRCh38, 1-based): chr8:143,924,216, C>T on the plus strand (G>A on the coding strand, the complement: PLEC is on the minus strand). VCF-style: chr8-143924216-C-T. GRCh37 (hg19) VCF-style: chr8-144998384-C-T.
Other names: c.5794G>A, p.Glu1932Lys (NM_000445.5); c.5671G>A, p.Glu1891Lys (NM_201378.4); c.5647G>A, p.Glu1883Lys (NM_201379.3); c.6124G>A, p.Glu2042Lys (NM_201380.4); c.5617G>A, p.Glu1873Lys (NM_201381.3); c.5713G>A, p.Glu1905Lys (NM_201382.4); c.5725G>A, p.Glu1909Lys (NM_201383.3); short protein forms E1873K, E1891K, E1905K, E1932K, E2042K, E1883K, E1909K.
Identifiers: ClinVar variation 1444302 (VCV001444302.8), dbSNP rs1300397162, ClinGen allele CA372542199.

ClinVar aggregate classification (germline): Uncertain significance (1 of 4 stars; one submission).

Conditions:
Epidermolysis bullosa simplex 5B, with muscular dystrophy (EBS5B). Also called: Epidermolysis bullosa simplex with muscular dystrophy; EPIDERMOLYSIS BULLOSA SIMPLEX AND LIMB-GIRDLE MUSCULAR DYSTROPHY. Identifiers: Orphanet 257, MedGen C2931072, MONDO:0009181, OMIM 226670.
Epidermolysis bullosa simplex, Ogna type (EBS5A). Also called: Pidermolysis bullosa simplex 5A, Ogna type; EPIDERMOLYSIS BULLOSA SIMPLEX 5A, OGNA TYPE. Identifiers: Orphanet 79401, MedGen C0432317, MONDO:0007555, OMIM 131950.
Epidermolysis bullosa simplex with nail dystrophy (EBS5D). Identifiers: MedGen C4225309, MONDO:0014661, OMIM 616487.
Epidermolysis bullosa simplex 5C, with pyloric atresia (EBS5C). Also called: Epidermolysis bullosa simplex with pyloric atresia; PLEC-Related Epidermolysis Bullosa with Pyloric Atresia; PLEC1-Related Epidermolysis Bullosa with Pyloric Atresia. Identifiers: Orphanet 158684, MedGen C2677349, MONDO:0012807, OMIM 612138.
Autosomal recessive limb-girdle muscular dystrophy type 2Q (LGMDR17). Also called: MUSCULAR DYSTROPHY, LIMB-GIRDLE, AUTOSOMAL RECESSIVE 17. Identifiers: Orphanet 254361, MedGen C3150989, MONDO:0013390, OMIM 613723.

Allele frequency attached by ClinVar (database versions not stated): gnomAD 0.00001; gnomAD exomes 0.00001 and 0.00002; TOPMed 0.00002.
gnomAD v4.1: 11 of 1,598,828 alleles (0.00069%); highest among the groups gnomAD compares: East Asian, 0.0067%; no homozygotes.

Submission:

Labcorp Genetics (formerly Invitae), Labcorp
Classification: Uncertain significance for Autosomal recessive limb-girdle muscular dystrophy type 2Q; Epidermolysis bullosa simplex, Ogna type; Epidermolysis bullosa simplex with nail dystrophy; Epidermolysis bullosa simplex 5C, with pyloric atresia; Epidermolysis bullosa simplex 5B, with muscular dystrophy. Last evaluated: 2024-03-22. Review status: criteria provided, single submitter. Criteria: Invitae Variant Classification Sherloc (09022015). Collection method: clinical testing. Allele origin: germline.
Comment: This sequence change replaces glutamic acid, which is acidic and polar, with lysine, which is basic and polar, at codon 1932 of the PLEC protein (p.Glu1932Lys). This variant is present in population databases (no rsID available, gnomAD 0.006%). This variant has not been reported in the literature in individuals affected with PLEC-related conditions. ClinVar contains an entry for this variant (Variation ID: 1444302). Experimental studies and prediction algorithms are not available or were not evaluated, and the functional significance of this variant is currently unknown. In summary, the available evidence is currently insufficient to determine the role of this variant in disease. Therefore, it has been classified as a Variant of Uncertain Significance.